The following is an entry in ClinVar:

NM_002860.4(ALDH18A1):c.1222A>C (p.Lys408Gln)

Gene: ALDH18A1 (aldehyde dehydrogenase 18 family member A1; minus strand). Cytogenetic location: 10q24.1.
Variant type: single nucleotide variant.
Coding change: c.1222A>C on transcript NM_002860.4 (MANE Select); coding-DNA position 1222, A replaced by C.
Protein change: p.Lys408Gln; replaces lysine 408 with glutamine.
Molecular consequence: missense variant.
Genome position (GRCh38, 1-based): chr10:95,625,386, T>G on the plus strand (A>C on the coding strand, the complement: ALDH18A1 is on the minus strand). VCF-style: chr10-95625386-T-G. GRCh37 (hg19) VCF-style: chr10-97385143-T-G.
Other names: c.1216A>C, p.Lys406Gln (NM_001017423.2, NM_001323415.2); c.889A>C, p.Lys297Gln (NM_001323412.2, NM_001323416.2); c.1222A>C, p.Lys408Gln (NM_001323413.2, NM_001323414.2); c.1117A>C, p.Lys373Gln (NM_001323417.2); c.883A>C, p.Lys295Gln (NM_001323418.2); c.586A>C, p.Lys196Gln (NM_001323419.2); short protein forms K297Q, K373Q, K406Q, K196Q, K408Q, K295Q.
Identifiers: ClinVar variation 4788126 (VCV004788126.1).

ClinVar aggregate classification (germline): Uncertain significance (1 of 4 stars; one submission).

Conditions:
Cutis laxa, autosomal dominant 3 (ADCL3). Identifiers: Orphanet 90348, MedGen C4225268, MONDO:0014706, OMIM 616603.
Autosomal dominant spastic paraplegia type 9. Identifiers: MedGen C1832669, MONDO:0015091.
de Barsy syndrome. Also called: Cutis laxa-corneal clouding-oligophrenia syndrome. Identifiers: Orphanet 2962, MedGen C0268354, MONDO:0017569.

gnomAD v4.1: 1 of 1,614,006 alleles (0.000062%); highest among the groups gnomAD compares: Non-Finnish European, 0.000085%; no homozygotes.

Submission:

Labcorp Genetics (formerly Invitae), Labcorp
Classification: Uncertain significance for Autosomal dominant spastic paraplegia type 9; de Barsy syndrome; Cutis laxa, autosomal dominant 3. Last evaluated: 2025-12-22. Review status: criteria provided, single submitter. Criteria: Invitae Variant Classification Sherloc (09022015). Collection method: clinical testing. Allele origin: germline.
Comment: This sequence change replaces lysine, which is basic and polar, with glutamine, which is neutral and polar, at codon 408 of the ALDH18A1 protein (p.Lys408Gln). This variant is present in population databases (rs747402980, gnomAD 0.0009%). This variant has not been reported in the literature in individuals affected with ALDH18A1-related conditions. Invitae Evidence Modeling of protein sequence and biophysical properties (such as structural, functional, and spatial information, amino acid conservation, physicochemical variation, residue mobility, and thermodynamic stability) indicates that this missense variant is not expected to disrupt ALDH18A1 protein function with a negative predictive value of 95%. In summary, the available evidence is currently insufficient to determine the role of this variant in disease. Therefore, it has been classified as a Variant of Uncertain Significance.